The following is an entry in ClinVar:

NM_000051.4(ATM):c.5820A>C (p.Glu1940Asp)

Genes: C11orf65 (chromosome 11 open reading frame 65; minus strand), ATM (ATM serine/threonine kinase; plus strand). Cytogenetic location: 11q22.3.
Variant type: single nucleotide variant.
Coding change: c.5820A>C on transcript NM_000051.4 (MANE Select); coding-DNA position 5820, A replaced by C.
Protein change: p.Glu1940Asp; replaces glutamic acid 1940 with aspartic acid.
Molecular consequence: missense variant. On other transcripts: intron variant (2).
Genome position (GRCh38, 1-based): chr11:108,310,217, A>C. VCF-style: chr11-108310217-A-C. GRCh37 (hg19) VCF-style: chr11-108180944-A-C.
Other names: c.5820A>C, p.Glu1940Asp (NM_001351834.2); c.641-1146T>G (NM_001330368.2); c.*39-1146T>G (NM_001351110.2); short protein forms E1940D.
Identifiers: ClinVar variation 927306 (VCV000927306.23), dbSNP rs2084028240, ClinGen allele CA382548399.
Genomic context (GRCh38, chr11:108,310,217, plus strand): 5'-TAGACCTTCTTCAGGAACAATTTTTAATGATGCTTTCTGGCTGGATTTAAATTATCTAGA[A>C]GTTGCCAAGGTAGCTCAGTCTTGTGCTGCTCACTTTACAGCTTTACTCTATGCAGAAATC-3'
Protein context (NP_000042.3, residues 1930-1950): DAFWLDLNYL[Glu1940Asp]VAKVAQSCAA

ClinVar aggregate classification (germline): Uncertain significance. Review status: criteria provided, multiple submitters, no conflicts (2 of 4 stars). 5 submissions from 5 submitters: Uncertain significance (4). 1 of the submissions does not count toward it. Last evaluated 2024-12-05.

Conditions:
Hereditary cancer-predisposing syndrome. Also called: Tumor predisposition; Neoplastic Syndromes, Hereditary; Hereditary neoplastic syndrome; Hereditary Cancer Syndrome. Identifiers: Orphanet 140162, MedGen C0027672, MeSH D009386, MONDO:0015356.
Ataxia-telangiectasia syndrome (AT). Also called: Ataxia-telangiectasia, complementation group D; AT, COMPLEMENTATION GROUP C; ATAXIA-TELANGIECTASIA, COMPLEMENTATION GROUP A; ATAXIA-TELANGIECTASIA, FRESNO VARIANT; Ataxia-telangiectasia; Ataxia telangiectasia (A-T). Identifiers: Orphanet 100, MedGen C0004135, MONDO:0008840, OMIM 208900.

Allele frequency attached by ClinVar (database versions not stated): gnomAD exomes below 0.00001.
gnomAD v4.1: 1 of 1,613,710 alleles (0.000062%); highest among the groups gnomAD compares: Non-Finnish European, 0.000085%; no homozygotes.

Submissions (5):

Ambry Genetics
Classification: Uncertain significance for Hereditary cancer-predisposing syndrome. Last evaluated: 2024-12-05. Review status: criteria provided, single submitter. Criteria: Ambry Variant Classification Scheme 2023. Collection method: clinical testing. Allele origin: germline.
Comment: The p.E1940D variant (also known as c.5820A>C), located in coding exon 38 of the ATM gene, results from an A to C substitution at nucleotide position 5820. The glutamic acid at codon 1940 is replaced by aspartic acid, an amino acid with highly similar properties. This amino acid position is highly conserved in available vertebrate species. In addition, this alteration is predicted to be tolerated by in silico analysis. Based on the available evidence, the clinical significance of this variant remains unclear.

Labcorp Genetics (formerly Invitae), Labcorp
Classification: Uncertain significance for Ataxia-telangiectasia syndrome. Last evaluated: 2024-09-23. Review status: criteria provided, single submitter. Criteria: Invitae Variant Classification Sherloc (09022015). Collection method: clinical testing. Allele origin: germline.
Comment: This sequence change replaces glutamic acid, which is acidic and polar, with aspartic acid, which is acidic and polar, at codon 1940 of the ATM protein (p.Glu1940Asp). This variant is not present in population databases (gnomAD no frequency). This variant has not been reported in the literature in individuals affected with ATM-related conditions. ClinVar contains an entry for this variant (Variation ID: 927306). An algorithm developed to predict the effect of missense changes on protein structure and function (PolyPhen-2) suggests that this variant¬†is likely to be tolerated. In summary, the available evidence is currently insufficient to determine the role of this variant in disease. Therefore, it has been classified as a Variant of Uncertain Significance.

Color Diagnostics, LLC DBA Color Health
Classification: Uncertain significance for Hereditary cancer-predisposing syndrome. Last evaluated: 2023-12-04. Review status: criteria provided, single submitter. Criteria: ACMG Guidelines, 2015. Collection method: clinical testing. Allele origin: germline.
Comment: This missense variant replaces glutamic acid with aspartic acid at codon 1940 of the ATM protein. Computational prediction suggests that this variant may not impact protein structure and function (internally defined REVEL score threshold <= 0.5, PMID: 27666373). To our knowledge, functional studies have not been reported for this variant. This variant has not been reported in individuals affected with ATM-related disorders in the literature. This variant has not been identified in the general population by the Genome Aggregation Database (gnomAD). The available evidence is insufficient to determine the role of this variant in disease conclusively. Therefore, this variant is classified as a Variant of Uncertain Significance.

GeneDx
Classification: Uncertain significance. Last evaluated: 2023-05-05. Review status: criteria provided, single submitter. Criteria: GeneDx Variant Classification Process June 2021. Collection method: clinical testing. Allele origin: germline. Affected: yes.
Comment: Not observed at significant frequency in large population cohorts (gnomAD); In silico analysis supports that this missense variant does not alter protein structure/function; Has not been previously published as pathogenic or benign to our knowledge

Natera, Inc.
Classification: Uncertain significance for Ataxia-telangiectasia. Last evaluated: 2020-02-21. Review status: no assertion criteria provided. Collection method: clinical testing. Allele origin: germline. Not counted in ClinVar's aggregate classification.